The following is an entry in ClinVar:

NM_004006.3(DMD):c.3478_3479del (p.Val1160fs)

Gene: DMD (dystrophin; minus strand). Cytogenetic location: Xp21.1.
Variant type: Deletion.
Coding change: c.3478_3479del on transcript NM_004006.3 (MANE Select); coding-DNA positions 3478 to 3479, 2 bases deleted (GT; older notation c.3478_3479delGT).
Protein change: p.Val1160fs; shifts the reading frame from valine 1160.
Molecular consequence: frameshift variant.
Genome position (GRCh38, 1-based): chrX:32,454,786-32,454,787, AC deleted on the plus strand (GT on the coding strand, the reverse complement: DMD is on the minus strand); deleting any 2 consecutive bases within chrX:32,454,786-32,454,788 gives the same sequence; the c. name uses the placement nearest the transcript's 3' end. VCF-style (leftmost placement, unchanged base first): chrX-32454785-TAC-T. GRCh37 (hg19) VCF-style: chrX-32472902-TAC-T.
Other names: c.3454_3455del, p.Val1152fs (NM_000109.4); c.3466_3467del, p.Val1156fs (NM_004009.3); c.3109_3110del, p.Val1037fs (NM_004010.3); short protein forms V1160fs, V1037fs, V1152fs, V1156fs.
Identifiers: ClinVar variation 817035 (VCV000817035.1), dbSNP rs1603633867, ClinGen allele CA915950836.
Genomic context (GRCh38, chrX:32,454,785, plus strand): 5'-ATACTCTTCTTCAGCTTGTGTCATCCATTCGTGCATCTCTGATAGATCTTTCTGGAGGCT[TAC>T]AGTTTTCTCCAAACCTCCCTTCAAGGCCTCCTTTCTGGCATAGACCTTCCACAAAACAAA-3'

ClinVar aggregate classification (germline): Pathogenic (1 of 4 stars; one submission).

Submission:

GeneDx
Classification: Pathogenic. Last evaluated: 2018-10-03. Review status: criteria provided, single submitter. Criteria: GeneDx Variant Classification (06012015). Collection method: clinical testing. Allele origin: germline. Affected: yes.
Comment: The c.3478_3479delGT variant has been reported previously in association with Duchenne musculardystrophy (Hofstra et al., 2004; Deburgrave et al., 2007). The c.3478_3479delGT variant causes aframeshift starting with codon Valine 1160, changes this amino acid to a Lysine residue, and creates apremature Stop codon at position 17 of the new reading frame, denoted p.Val1160LysfsX17. Thisvariant is predicted to cause loss of normal protein function either through protein truncation ornonsense-mediated mRNA decay. Furthermore, the c.3478_3479delGT variant is not observed in largepopulation cohorts (Lek et al., 2016).